The following is an entry in ClinVar:

NM_016373.4(WWOX):c.705dup (p.His236fs)

Gene: WWOX (WW domain containing oxidoreductase; plus strand). Cytogenetic location: 16q23.1.
Variant type: Duplication.
Coding change: c.705dup on transcript NM_016373.4 (MANE Select); coding-DNA position 705, one base duplicated (G; older notation c.705dupG).
Protein change: p.His236fs; shifts the reading frame from histidine 236.
Molecular consequence: frameshift variant.
Genome position (GRCh38, 1-based): chr16:78,424,969, G duplicated; the last of 4 consecutive G bases (chr16:78,424,966-78,424,969); duplicating any one gives the same sequence. VCF-style (leftmost placement, unchanged base first): chr16-78424965-T-TG. GRCh37 (hg19) VCF-style: chr16-78458862-T-TG.
Other names: c.366dup, p.His123fs (NM_001291997.2); short protein forms H123fs, H236fs.
Identifiers: ClinVar variation 803276 (VCV000803276.31), dbSNP rs1597216056, ClinGen allele CA915949352.
Genomic context (GRCh38, chr16:78,424,965, plus strand): 5'-TTGCTCTACCCTGGAGTCTCACCAAAGATGGCCTGGAGACCACCTTTCAAGTGAATCATC[T>TG]GGGGCACTTCTACCTTGTCCAGCTCCTCCAGGATGTTTTGTGCCGCTCAGCTCCTGCCCG-3'

ClinVar aggregate classification (germline): Pathogenic. Review status: criteria provided, multiple submitters, no conflicts (2 of 4 stars). 5 submissions from 5 submitters: Pathogenic (5). Last evaluated 2026-08-06.

Conditions:
Developmental and epileptic encephalopathy, 1 (DEE1). Also called: X-linked infantile spasms; West's syndrome; Tonic spasms with clustering, arrest of psychomotor development and hypsarrhythmia on EEG; X-Linked Infantile Spasm Syndrome; OHTAHARA SYNDROME, X-LINKED; INFANTILE SPASM SYNDROME, X-LINKED 1. Identifiers: MedGen C3463992, MONDO:0010632, OMIM 308350. Disease mechanism: loss of function.
Autosomal recessive spinocerebellar ataxia 12. Also called: SPINOCEREBELLAR ATAXIA WITH MENTAL RETARDATION AND EPILEPSY. Identifiers: Orphanet 284282, MedGen C3280452, MONDO:0013687, OMIM 614322.
Developmental and epileptic encephalopathy, 28 (DEE28). Also called: Epileptic encephalopathy, early infantile, 28. Identifiers: Orphanet 442835, MedGen C4015519, MONDO:0014533, OMIM 616211.

Submissions (5):

OLLIN Analises Genomicas, OLLIN
Classification: Pathogenic for Developmental and epileptic encephalopathy, 28. Last evaluated: 2026-08-06. Review status: criteria provided, single submitter. Criteria: ACMG Guidelines 2015 PMID 25741868. Collection method: clinical testing. Allele origin: germline. Inheritance: Autosomal recessive inheritance.
Comment: This frameshift variant, located in exon 7 (of 9), is absent from gnomAD but has been reported in ClinVar (accession VCV000803276.30) and in the scientific literature, in compound heterozygosity, in individuals with WWOX related disorders (PMID: 30356099). This variant causes a frameshift and introduces a premature stop codon, which is predicted to result in either a truncated protein or degradation of the mRNA via nonsense-mediated decay (NMD). According to the currently available evidence, this variant has been classified as pathogenic (PVS1, PM2_P, PM3).

Kids Research, The Children's Hospital at Westmead
Classification: Pathogenic for Developmental and epileptic encephalopathy, 28. Last evaluated: 2024-09-20. Review status: criteria provided, single submitter. Criteria: ACMG Guidelines, 2015. Collection method: research. Allele origin: germline. Affected: yes.
Comment: PVS1, PM2, PM3

Oxford Medical Genetics Laboratories, Oxford University Hospitals NHS Foundation Trust
Classification: Pathogenic for Developmental and epileptic encephalopathy, 28. Last evaluated: 2023-03-23. Review status: criteria provided, single submitter. Criteria: ACMG Guidelines, 2015. Collection method: clinical testing. Allele origin: germline. Affected: yes.

Labcorp Genetics (formerly Invitae), Labcorp
Classification: Pathogenic for Developmental and epileptic encephalopathy, 1; Autosomal recessive spinocerebellar ataxia 12. Last evaluated: 2022-06-18. Review status: criteria provided, single submitter. Criteria: Invitae Variant Classification Sherloc (09022015). Collection method: clinical testing. Allele origin: germline.
Comment: For these reasons, this variant has been classified as Pathogenic. This sequence change creates a premature translational stop signal (p.His236Alafs*34) in the WWOX gene. It is expected to result in an absent or disrupted protein product. Loss-of-function variants in WWOX are known to be pathogenic (PMID: 24456803, 25411445). This variant is not present in population databases (gnomAD no frequency). This premature translational stop signal has been observed in individual(s) with WWOX-related conditions (PMID: 30356099). ClinVar contains an entry for this variant (Variation ID: 803276).

Mendelics
Classification: Pathogenic for Developmental and epileptic encephalopathy, 1. Last evaluated: 2019-05-28. Review status: criteria provided, single submitter. Criteria: Mendelics Assertion Criteria 2017. Collection method: clinical testing. Allele origin: unknown.

Literature cited by the submitters: PubMed 30356099 (cited by 3 submitters); PubMed 24456803 (cited by Labcorp Genetics (formerly Invitae), Labcorp); PubMed 25411445 (cited by Labcorp Genetics (formerly Invitae), Labcorp).